The following is an entry in ClinVar:

NM_001692.4(ATP6V1B1):c.32_33delinsT (p.Gly11fs)

Gene: ATP6V1B1 (ATPase H+ transporting V1 subunit B1; plus strand). Cytogenetic location: 2p13.3.
Variant type: Indel.
Coding change: c.32_33delinsT on transcript NM_001692.4 (MANE Select); coding-DNA positions 32 to 33, GG replaced by T.
Protein change: p.Gly11fs; shifts the reading frame from glycine 11.
Molecular consequence: frameshift variant.
Genome position (GRCh38, 1-based): chr2:70,935,986-70,935,987, GG replaced by T. VCF-style: chr2-70935986-GG-T. GRCh37 (hg19) VCF-style: chr2-71163116-GG-T.
Other names: short protein forms G11fs.
Identifiers: ClinVar variation 4814934 (VCV004814934.1).
Genomic context (GRCh38, chr2:70,935,986, plus strand): 5'-ACACTGGGCTCCCAGCTGGGGACTGCTCCATGGCCATGGAGATAGACAGCAGGCCTGGGG[GG>T]CTCCCCGGCAGTAGCTGCAACCTAGGTGCAGCCCGAGAACACATGCAGGCGGTCACCCGA-3'

ClinVar aggregate classification (germline): Likely pathogenic (1 of 4 stars; one submission).

Conditions:
Renal tubular acidosis with progressive nerve deafness. Also called: Distal Renal Tubular Acidosis with Progressive Sensorineural Deafness; renal tubular acidosis, distal, 2, with progressive sensorineural hearing loss; RENAL TUBULAR ACIDOSIS, AUTOSOMAL RECESSIVE, WITH PROGRESSIVE NERVE DEAFNESS; RTA WITH PROGRESSIVE NERVE DEAFNESS. Identifiers: MedGen C0403554, MONDO:0009968, OMIM 267300.

Submission:

Natera, Inc.
Classification: Likely pathogenic for Renal tubular acidosis with progressive nerve deafness. Last evaluated: 2025-12-23. Review status: criteria provided, single submitter. Criteria: Natera Variant Classification Schema (03/2026). Collection method: clinical testing. Allele origin: germline.
Comment: The c.32_33delinsT variant in ATP6V1B1 is a frameshift variant predicted to shift the reading frame beginning at codon 11 and leads to a stop codon 9 codons downstream. This variant is expected to result in nonsense mediated decay, truncation, or a dysfunctional protein product. This variant is rare in the general population with a frequency below the threshold expected for the associated phenotype(s). Given the available evidence, this variant is classified as Likely Pathogenic.